The following is an entry in ClinVar:

ClinVar aggregate classification (germline): Uncertain significance. Review status: criteria provided, multiple submitters, no conflicts (2 of 4 stars). 4 submissions from 4 submitters: Uncertain significance (4). Last evaluated 2026-02-15.

Conditions:
Catecholaminergic polymorphic ventricular tachycardia 1. Also called: VENTRICULAR TACHYCARDIA, STRESS-INDUCED POLYMORPHIC 1; VENTRICULAR TACHYCARDIA, CATECHOLAMINERGIC POLYMORPHIC, 1, WITH OR WITHOUT ATRIAL DYSFUNCTION AND/OR DILATED CARDIOMYOPATHY; RYR2-Related Catecholaminergic Polymorphic Ventricular Tachycardia. Identifiers: Orphanet 3286, MedGen C1631597, MONDO:0011484, OMIM 604772.
Cardiovascular phenotype. Identifiers: MedGen CN230736.

Allele frequency attached by ClinVar (database versions not stated): TOPMed below 0.00001; ExAC 0.00001; gnomAD exomes 0.00001.

Submissions (4):

Ambry Genetics
Classification: Uncertain significance for Cardiovascular phenotype. Last evaluated: 2026-02-15. Review status: criteria provided, single submitter. Criteria: Ambry Variant Classification Scheme 2023. Collection method: clinical testing. Allele origin: germline.
Comment: The p.P247S variant (also known as c.739C>T), located in coding exon 7 of the CASQ2 gene, results from a C to T substitution at nucleotide position 739. The proline at codon 247 is replaced by serine, an amino acid with similar properties. This amino acid position is conserved. In addition, the in silico prediction for this alteration is inconclusive. Based on the available evidence, the clinical significance of this variant remains unclear.

Labcorp Genetics (formerly Invitae), Labcorp
Classification: Uncertain significance for Catecholaminergic polymorphic ventricular tachycardia 1. Last evaluated: 2025-12-01. Review status: criteria provided, single submitter. Criteria: Invitae Variant Classification Sherloc (09022015). Collection method: clinical testing. Allele origin: germline.
Comment: This sequence change replaces proline, which is neutral and non-polar, with serine, which is neutral and polar, at codon 247 of the CASQ2 protein (p.Pro247Ser). The frequency data for this variant in the population databases is considered unreliable, as metrics indicate poor data quality at this position in the gnomAD database. This variant has not been reported in the literature in individuals affected with CASQ2-related conditions. ClinVar contains an entry for this variant (Variation ID: 2318759). An algorithm developed to predict the effect of missense changes on protein structure and function (PolyPhen-2) suggests that this variant is likely to be tolerated. In summary, the available evidence is currently insufficient to determine the role of this variant in disease. Therefore, it has been classified as a Variant of Uncertain Significance.

GeneDx
Classification: Uncertain significance. Last evaluated: 2024-06-27. Review status: criteria provided, single submitter. Criteria: GeneDx Variant Classification Process June 2021. Collection method: clinical testing. Allele origin: germline. Affected: yes.
Comment: Not observed at significant frequency in large population cohorts (gnomAD); In silico analysis supports that this missense variant has a deleterious effect on protein structure/function; Has not been previously published as pathogenic or benign to our knowledge

Blueprint Genetics
Classification: Uncertain significance. Last evaluated: 2023-09-04. Review status: criteria provided, single submitter. Criteria: ACMG Guidelines, 2015. Collection method: clinical testing. Allele origin: germline.

NM_001232.4(CASQ2):c.739C>T (p.Pro247Ser)

Gene: CASQ2 (calsequestrin 2; minus strand). Cytogenetic location: 1p13.1.
Variant type: single nucleotide variant.
Coding change: c.739C>T on transcript NM_001232.4 (MANE Select); coding-DNA position 739, C replaced by T.
Protein change: p.Pro247Ser; replaces proline 247 with serine.
Molecular consequence: missense variant.
Genome position (GRCh38, 1-based): chr1:115,725,552, G>A on the plus strand (C>T on the coding strand, the complement: CASQ2 is on the minus strand). VCF-style: chr1-115725552-G-A. GRCh37 (hg19) VCF-style: chr1-116268173-G-A.
Other names: short protein forms P247S.
Identifiers: ClinVar variation 2318759 (VCV002318759.7), dbSNP rs747600202, ClinGen allele CA1023770.